The following is an entry in ClinVar:

ClinVar aggregate classification (germline): Uncertain significance (1 of 4 stars; one submission).

Conditions:
Familial adenomatous polyposis 1 (FAP1). Also called: FAMILIAL ADENOMATOUS POLYPOSIS 1, ATTENUATED; POLYPOSIS, ADENOMATOUS INTESTINAL. Identifiers: MedGen C2713442, MONDO:0021056, OMIM 175100. Disease mechanism: loss of function.

Submission:

Labcorp Genetics (formerly Invitae), Labcorp
Classification: Uncertain significance for Familial adenomatous polyposis 1. Last evaluated: 2026-01-14. Review status: criteria provided, single submitter. Criteria: Invitae Variant Classification Sherloc (09022015). Collection method: clinical testing. Allele origin: germline.
Comment: This sequence change replaces lysine, which is basic and polar, with glutamic acid, which is acidic and polar, at codon 2455 of the APC protein (p.Lys2455Glu). This variant is not present in population databases (gnomAD no frequency). This variant has not been reported in the literature in individuals affected with APC-related conditions. Invitae Evidence Modeling of protein sequence and biophysical properties (such as structural, functional, and spatial information, amino acid conservation, physicochemical variation, residue mobility, and thermodynamic stability) indicates that this missense variant is not expected to disrupt APC protein function with a negative predictive value of 95%. In summary, the available evidence is currently insufficient to determine the role of this variant in disease. Therefore, it has been classified as a Variant of Uncertain Significance.

NM_000038.6(APC):c.7363A>G (p.Lys2455Glu)

Gene: APC (APC regulator of Wnt signaling pathway; plus strand). Cytogenetic location: 5q22.2.
Variant type: single nucleotide variant.
Coding change: c.7363A>G on transcript NM_000038.6 (MANE Select); coding-DNA position 7363, A replaced by G.
Protein change: p.Lys2455Glu; replaces lysine 2455 with glutamic acid.
Molecular consequence: missense variant. On other transcripts: non-coding transcript variant (2).
Genome position (GRCh38, 1-based): chr5:112,842,957, A>G. VCF-style: chr5-112842957-A-G. GRCh37 (hg19) VCF-style: chr5-112178654-A-G.
Other names: c.7363A>G, p.Lys2455Glu (NM_001127510.3, NM_001354895.2, NM_001407450.1); c.7309A>G, p.Lys2437Glu (NM_001127511.3); c.7417A>G, p.Lys2473Glu (NM_001354896.2, NM_001407447.1, NM_001407448.1 and 1 more transcripts); c.7393A>G, p.Lys2465Glu (NM_001354897.2); c.7288A>G, p.Lys2430Glu (NM_001354898.2); c.7279A>G, p.Lys2427Glu (NM_001354899.2); c.7240A>G, p.Lys2414Glu (NM_001354900.2); c.7186A>G, p.Lys2396Glu (NM_001354901.2, NM_001407453.1); and 11 more; short protein forms K2071E, K2172E, K2295E, K2326E, K2329E, K2354E, K2364E, K2372E.
Identifiers: ClinVar variation 4801519 (VCV004801519.1).
Genomic context (GRCh38, chr5:112,842,957, plus strand): 5'-CCTGTATTAGTACGCCAGTCAACTTTCATCAAAGAAGCTCCAAGCCCAACCTTAAGAAGA[A>G]AATTGGAGGAATCTGCTTCATTTGAATCTCTTTCTCCATCATCTAGACCAGCTTCTCCCA-3'
Protein context (NP_000029.2, residues 2445-2465): KEAPSPTLRR[Lys2455Glu]LEESASFESL